The following is an entry in ClinVar:

NM_182961.4(SYNE1):c.821A>G (p.Tyr274Cys)

Gene: SYNE1 (spectrin repeat containing nuclear envelope protein 1; minus strand). Cytogenetic location: 6q25.2.
Variant type: single nucleotide variant.
Coding change: c.821A>G on transcript NM_182961.4 (MANE Select); coding-DNA position 821, A replaced by G.
Protein change: p.Tyr274Cys; replaces tyrosine 274 with cysteine.
Molecular consequence: missense variant.
Genome position (GRCh38, 1-based): chr6:152,502,700, T>C on the plus strand (A>G on the coding strand, the complement: SYNE1 is on the minus strand). VCF-style: chr6-152502700-T-C. GRCh37 (hg19) VCF-style: chr6-152823835-T-C.
Other names: c.842A>G, p.Tyr281Cys (NM_033071.5); short protein forms Y281C, Y274C.
Identifiers: ClinVar variation 1509684 (VCV001509684.8), dbSNP rs2099036274, ClinGen allele CA366148005.

ClinVar aggregate classification (germline): Uncertain significance (1 of 4 stars; one submission).

Conditions:
Emery-Dreifuss muscular dystrophy 4, autosomal dominant (EDMD4). Also called: EMERY-DREIFUSS MUSCULAR DYSTROPHY 4 WITH VARIABLE FEATURES. Identifiers: Orphanet 261, MedGen C2751807, MONDO:0013071, OMIM 612998.
Autosomal recessive ataxia, Beauce type. Also called: Spinocerebellar ataxia, autosomal recessive 8; ATAXIA, RECESSIVE, OF BEAUCE; SYNE1 Deficiency; SYNE1-Related Autosomal Recessive Cerebellar Ataxia. Identifiers: Orphanet 88644, MedGen C1853116, MONDO:0012549, OMIM 610743.

Allele frequency attached by ClinVar (database versions not stated): gnomAD exomes below 0.00001.
gnomAD v4.1: 2 of 1,613,818 alleles (0.00012%); highest among the groups gnomAD compares: Admixed American, 0.0017%; no homozygotes.

Submission:

Labcorp Genetics (formerly Invitae), Labcorp
Classification: Uncertain significance for Emery-Dreifuss muscular dystrophy 4, autosomal dominant; Autosomal recessive ataxia, Beauce type. Last evaluated: 2020-11-06. Review status: criteria provided, single submitter. Criteria: Invitae Variant Classification Sherloc (09022015). Collection method: clinical testing. Allele origin: germline.
Comment: In summary, the available evidence is currently insufficient to determine the role of this variant in disease. Therefore, it has been classified as a Variant of Uncertain Significance. Algorithms developed to predict the effect of missense changes on protein structure and function are either unavailable or do not agree on the potential impact of this missense change (SIFT: "Deleterious"; PolyPhen-2: "Probably Damaging"; Align-GVGD: "Class C0"). This variant has not been reported in the literature in individuals with SYNE1-related conditions. This variant is not present in population databases (ExAC no frequency). This sequence change replaces tyrosine with cysteine at codon 281 of the SYNE1 protein (p.Tyr281Cys). The tyrosine residue is moderately conserved and there is a large physicochemical difference between tyrosine and cysteine.